The following is an entry in ClinVar:

NM_172362.3(KCNH1):c.2634C>A (p.Asp878Glu)

Gene: KCNH1 (potassium voltage-gated channel subfamily H member 1; minus strand). Cytogenetic location: 1q32.2.
Variant type: single nucleotide variant.
Coding change: c.2634C>A on transcript NM_172362.3 (MANE Select); coding-DNA position 2634, C replaced by A.
Protein change: p.Asp878Glu; replaces aspartic acid 878 with glutamic acid.
Molecular consequence: missense variant.
Genome position (GRCh38, 1-based): chr1:210,683,617, G>T on the plus strand (C>A on the coding strand, the complement: KCNH1 is on the minus strand). VCF-style: chr1-210683617-G-T. GRCh37 (hg19) VCF-style: chr1-210856959-G-T.
Other names: c.2553C>A, p.Asp851Glu (NM_002238.4); short protein forms D851E, D878E.
Identifiers: ClinVar variation 4537743 (VCV004537743.1).
Genomic context (GRCh38, chr1:210,683,617, plus strand): 5'-CCTGGCCTCACCCACGTTGTCCAGGCGCAAGTCGCTCTTGGTGATGCCACTGTCACACGA[G>T]TCTGTCTTCTTCAGTGTGGCCTCGCCTGACGCTTTTGTCCTCTCGGGAAGTGTCTCCATC-3'
Protein context (NP_758872.1, residues 868-888): ASGEATLKKT[Asp878Glu]SCDSGITKSD

ClinVar aggregate classification (germline): Uncertain significance (1 of 4 stars; one submission).

Submission:

GeneDx
Classification: Uncertain significance. Last evaluated: 2025-06-10. Review status: criteria provided, single submitter. Criteria: GeneDx Variant Classification Process June 2021. Collection method: clinical testing. Allele origin: germline. Affected: yes.
Comment: Not observed at significant frequency in large population cohorts (gnomAD); In silico analysis suggests that this missense variant does not alter protein structure/function; Has not been previously published as pathogenic or benign to our knowledge